The following is an entry in ClinVar:

NM_138773.4(SLC25A46):c.219C>T (p.Tyr73=)

Gene: SLC25A46 (solute carrier family 25 member 46; plus strand). Cytogenetic location: 5q22.1.
Variant type: single nucleotide variant.
Coding change: c.219C>T on transcript NM_138773.4 (MANE Select); coding-DNA position 219, C replaced by T.
Protein change: p.Tyr73=; no amino-acid change (tyrosine 73 retained).
Molecular consequence: synonymous variant. On other transcripts: non-coding transcript variant (1), intron variant (1).
Genome position (GRCh38, 1-based): chr5:110,739,338, C>T. VCF-style: chr5-110739338-C-T. GRCh37 (hg19) VCF-style: chr5-110075039-C-T.
Other names: c.219C>T, p.Tyr73= (NM_001303249.3); c.10+1091C>T (NM_001303250.3); c.219C>T (NM_138773.3).
Identifiers: ClinVar variation 772008 (VCV000772008.13), dbSNP rs755840361, ClinGen allele CA3364500.

ClinVar aggregate classification (germline): Likely benign. Review status: criteria provided, multiple submitters, no conflicts (2 of 4 stars). 3 submissions from 3 submitters: Likely benign (3). Last evaluated 2026-04-08.

Conditions:
Neuropathy, hereditary motor and sensory, type 6B (HMSN6B). Also called: HMSN VIB; CHARCOT-MARIE-TOOTH DISEASE, TYPE 6B; NEUROPATHY, HEREDITARY MOTOR AND SENSORY, TYPE VIB, WITH OPTIC ATROPHY; Neuropathy, hereditary motor and sensory, type VIB. Identifiers: MedGen C4225302, MONDO:0014671, OMIM 616505.
SLC25A46-related disorder. Also called: SLC25A46-related condition.

Allele frequency attached by ClinVar (database versions not stated): TOPMed 0.00002; gnomAD 0.00003; gnomAD exomes 0.00004; ExAC 0.00009.
gnomAD v4.1: 82 of 1,564,720 alleles (0.0052%); highest among the groups gnomAD compares: Non-Finnish European, 0.007%; no homozygotes.

Submissions (3):

PreventionGenetics, part of Exact Sciences
Classification: Likely benign for SLC25A46-related condition. Last evaluated: 2026-04-08. Review status: criteria provided, single submitter. Criteria: ACMG Guidelines, 2015. Collection method: clinical testing. Allele origin: germline.
Comment: This variant is classified as likely benign based on ACMG/AMP sequence variant interpretation guidelines (Richards et al. 2015 PMID: 25741868, with internal and published modifications).

Labcorp Genetics (formerly Invitae), Labcorp
Classification: Likely benign for Neuropathy, hereditary motor and sensory, type 6B. Last evaluated: 2025-10-28. Review status: criteria provided, single submitter. Criteria: Invitae Variant Classification Sherloc (09022015). Collection method: clinical testing. Allele origin: germline.

Blueprint Genetics
Classification: Likely benign. Last evaluated: 2024-10-25. Review status: criteria provided, single submitter. Criteria: ACMG Guidelines, 2015. Collection method: clinical testing. Allele origin: germline.